The following is an entry in ClinVar:

NM_024301.5(FKRP):c.739C>A (p.Pro247Thr)

Gene: FKRP (fukutin related protein; plus strand). Cytogenetic location: 19q13.32.
Variant type: single nucleotide variant.
Coding change: c.739C>A on transcript NM_024301.5 (MANE Select); coding-DNA position 739, C replaced by A.
Protein change: p.Pro247Thr; replaces proline 247 with threonine.
Molecular consequence: missense variant.
Genome position (GRCh38, 1-based): chr19:46,756,189, C>A. VCF-style: chr19-46756189-C-A. GRCh37 (hg19) VCF-style: chr19-47259446-C-A.
Other names: c.739C>A, p.Pro247Thr (NM_001039885.3); short protein forms P247T.
Identifiers: ClinVar variation 1376386 (VCV001376386.5), dbSNP rs1000823800, ClinGen allele CA406495918.

ClinVar aggregate classification (germline): Uncertain significance (1 of 4 stars; one submission).

Conditions:
Walker-Warburg congenital muscular dystrophy. Also called: Muscular dystrophy-dystroglycanopathy, type A; Walker-Warburg syndrome. Identifiers: Orphanet 899, MedGen C0265221, MONDO:0000171.

gnomAD v4.1: 1 of 1,437,288 alleles (0.00007%); highest among the groups gnomAD compares: Non-Finnish European, 0.000091%; no homozygotes.

Submission:

Labcorp Genetics (formerly Invitae), Labcorp
Classification: Uncertain significance for Walker-Warburg congenital muscular dystrophy. Last evaluated: 2021-08-30. Review status: criteria provided, single submitter. Criteria: Invitae Variant Classification Sherloc (09022015). Collection method: clinical testing. Allele origin: germline.
Comment: This sequence change replaces proline with threonine at codon 247 of the FKRP protein (p.Pro247Thr). The proline residue is moderately conserved and there is a small physicochemical difference between proline and threonine. The frequency data for this variant in the population databases is considered unreliable, as metrics indicate insufficient coverage at this position in the ExAC database. This variant has not been reported in the literature in individuals affected with FKRP-related conditions. Algorithms developed to predict the effect of missense changes on protein structure and function are either unavailable or do not agree on the potential impact of this missense change (SIFT: "Deleterious"; PolyPhen-2: "Benign"; Align-GVGD: "Class C0"). In summary, the available evidence is currently insufficient to determine the role of this variant in disease. Therefore, it has been classified as a Variant of Uncertain Significance.